The following is an entry in ClinVar:

ClinVar aggregate classification (germline): Likely pathogenic (1 of 4 stars; one submission).

Submission:

Mayo Clinic Laboratories, Mayo Clinic
Classification: Likely pathogenic. Last evaluated: 2025-09-22. Review status: criteria provided, single submitter. Criteria: ACMG Guidelines, 2015. Collection method: clinical testing. Allele origin: germline. Observed: 1 variant allele.
Comment: PM2_supporting, PVS1

Literature cited by the submitters: PubMed 10875918; PubMed 22237435.

NM_000043.6(FAS):c.633del (p.Glu211fs)

Gene: FAS (Fas cell surface death receptor; plus strand). Cytogenetic location: 10q23.31.
Variant type: Deletion.
Coding change: c.633del on transcript NM_000043.6 (MANE Select); coding-DNA position 633, one base deleted (A; older notation c.633delA).
Protein change: p.Glu211fs; shifts the reading frame from glutamic acid 211.
Molecular consequence: frameshift variant. On other transcripts: non-coding transcript variant (6), intron variant (1).
Genome position (GRCh38, 1-based): chr10:89,012,063, A deleted; the last of 2 consecutive A bases (chr10:89,012,062-89,012,063); deleting either gives the same sequence. VCF-style (leftmost placement, unchanged base first): chr10-89012061-GA-G. GRCh37 (hg19) VCF-style: chr10-90771818-GA-G.
Other names: p.Glu211Aspfs*5; c.678del, p.Glu226fs (NM_001410956.1); c.570del, p.Glu190fs (NM_152871.4); c.633del, p.Glu211fs (NM_152872.4); c.568+1248del (NM_001320619.2); short protein forms E211fs, E226fs, E190fs.
Identifiers: ClinVar variation 4541558 (VCV004541558.1).